The following is an entry in ClinVar:

NM_025243.4(SLC19A3):c.1215G>T (p.Leu405Phe)

Gene: SLC19A3 (solute carrier family 19 member 3; minus strand). Cytogenetic location: 2q36.3.
Variant type: single nucleotide variant.
Coding change: c.1215G>T on transcript NM_025243.4 (MANE Select); coding-DNA position 1215, G replaced by T.
Protein change: p.Leu405Phe; replaces leucine 405 with phenylalanine.
Molecular consequence: missense variant.
Genome position (GRCh38, 1-based): chr2:227,688,265, C>A on the plus strand (G>T on the coding strand, the complement: SLC19A3 is on the minus strand). VCF-style: chr2-227688265-C-A. GRCh37 (hg19) VCF-style: chr2-228552981-C-A.
Other names: c.1215G>T, p.Leu405Phe (NM_001371411.1, NM_001371412.1); c.1203G>T, p.Leu401Phe (NM_001371413.1, NM_001371414.1); c.1215G>T (NM_025243.3); short protein forms L401F, L405F.
Identifiers: ClinVar variation 1017867 (VCV001017867.6), dbSNP rs755120020, ClinGen allele CA2149125.

ClinVar aggregate classification (germline): Uncertain significance. Review status: criteria provided, multiple submitters, no conflicts (2 of 4 stars). 2 submissions from 2 submitters: Uncertain significance (2). Last evaluated 2026-03-26.

Conditions:
Biotin-responsive basal ganglia disease (BTBGD). Also called: Thiamine metabolism dysfunction syndrome type 2; Thiamine Transporter-2 Deficiency; thiamine-responsive encephalopathy; Thiamine metabolism dysfunction syndrome 2 (biotin- or thiamine-responsive encephalopathy type 2); THIAMINE METABOLISM DYSFUNCTION SYNDROME 2 (BIOTIN- AND THIAMINE-RESPONSIVE TYPE). Identifiers: Orphanet 199348, Orphanet 65284, MedGen C1843807, MONDO:0011841, OMIM 607483.

Allele frequency attached by ClinVar (database versions not stated): TOPMed 0.00002; gnomAD exomes 0.00001; gnomAD 0.00001; ExAC 0.00001.
gnomAD v4.1: 9 of 1,613,830 alleles (0.00056%); highest among the groups gnomAD compares: Admixed American, 0.0067%; no homozygotes.

Submissions (2):

GeneDx
Classification: Uncertain significance. Last evaluated: 2026-03-26. Review status: criteria provided, single submitter. Criteria: GeneDx Variant Classification Process June 2021. Collection method: clinical testing. Allele origin: germline.
Comment: Not observed at significant frequency in large population cohorts (gnomAD); In silico analysis supports that this missense variant has a deleterious effect on protein structure/function; Has not been previously published as pathogenic or benign to our knowledge; This variant is associated with the following publications: (PMID: 28402605)

Labcorp Genetics (formerly Invitae), Labcorp
Classification: Uncertain significance for Biotin-responsive basal ganglia disease. Last evaluated: 2022-10-13. Review status: criteria provided, single submitter. Criteria: Invitae Variant Classification Sherloc (09022015). Collection method: clinical testing. Allele origin: germline.
Comment: This sequence change replaces leucine, which is neutral and non-polar, with phenylalanine, which is neutral and non-polar, at codon 405 of the SLC19A3 protein (p.Leu405Phe). This variant is present in population databases (rs755120020, gnomAD 0.006%). This variant has not been reported in the literature in individuals affected with SLC19A3-related conditions. ClinVar contains an entry for this variant (Variation ID: 1017867). Advanced modeling of protein sequence and biophysical properties (such as structural, functional, and spatial information, amino acid conservation, physicochemical variation, residue mobility, and thermodynamic stability) performed at Invitae indicates that this missense variant is expected to disrupt SLC19A3 protein function. In summary, the available evidence is currently insufficient to determine the role of this variant in disease. Therefore, it has been classified as a Variant of Uncertain Significance.